The following is an entry in ClinVar:

NM_144573.4(NEXN):c.1025A>C (p.Lys342Thr)

Gene: NEXN (nexilin F-actin binding protein; plus strand). Cytogenetic location: 1p31.1.
Variant type: single nucleotide variant.
Coding change: c.1025A>C on transcript NM_144573.4 (MANE Select); coding-DNA position 1025, A replaced by C.
Protein change: p.Lys342Thr; replaces lysine 342 with threonine.
Molecular consequence: missense variant.
Genome position (GRCh38, 1-based): chr1:77,929,476, A>C. VCF-style: chr1-77929476-A-C. GRCh37 (hg19) VCF-style: chr1-78395161-A-C.
Other names: c.833A>C, p.Lys278Thr (NM_001172309.2); short protein forms K278T, K342T.
Identifiers: ClinVar variation 1769227 (VCV001769227.2), dbSNP rs1383203566, ClinGen allele CA340875812.
Genomic context (GRCh38, chr1:77,929,476, plus strand): 5'-GAGAAGATGAAAAAAGGAAAGCAGAAGAAGAAGCCAGAAGGAGAATAGAGGAAGAAAAGA[A>C]GGCGTTTGCTGAAGCAAGGAGAAATATGGTAAGACAGAAGCTAACTGGAGAATGCTATTA-3'
Protein context (NP_653174.3, residues 332-352): EARRRIEEEK[Lys342Thr]AFAEARRNMV

ClinVar aggregate classification (germline): Uncertain significance (1 of 4 stars; one submission).

Conditions:
Cardiovascular phenotype. Identifiers: MedGen CN230736.

Allele frequency attached by ClinVar (database versions not stated): gnomAD exomes below 0.00001.
gnomAD v4.1: 3 of 1,613,068 alleles (0.00019%); highest among the groups gnomAD compares: Non-Finnish European, 0.00025%; no homozygotes.

Submission:

Ambry Genetics
Classification: Uncertain significance for Cardiovascular phenotype. Last evaluated: 2022-03-23. Review status: criteria provided, single submitter. Criteria: Ambry Variant Classification Scheme 2023. Collection method: clinical testing. Allele origin: germline.
Comment: The p.K342T variant (also known as c.1025A>C), located in coding exon 8 of the NEXN gene, results from an A to C substitution at nucleotide position 1025. The lysine at codon 342 is replaced by threonine, an amino acid with similar properties. This amino acid position is conserved. In addition, this alteration is predicted to be tolerated by in silico analysis. Since supporting evidence is limited at this time, the clinical significance of this alteration remains unclear.